The following is an entry in ClinVar:

ClinVar aggregate classification (germline): Likely benign. Review status: criteria provided, multiple submitters, no conflicts (2 of 4 stars). 6 submissions from 6 submitters: Likely benign (5). 1 of the submissions does not count toward it. Last evaluated 2026-01-26.

Conditions:
POLE-related disorder. Also called: POLE-related condition; POLE-related disorders.
Hereditary cancer-predisposing syndrome. Also called: Neoplastic Syndromes, Hereditary; Hereditary Cancer Syndrome; Tumor predisposition; Hereditary neoplastic syndrome. Identifiers: Orphanet 140162, MedGen C0027672, MeSH D009386, MONDO:0015356.

Allele frequency attached by ClinVar (database versions not stated): gnomAD exomes 0.00001; ExAC 0.00002; gnomAD 0.00002 and 0.00001; TOPMed 0.00004.
gnomAD v4.1: 38 of 1,613,534 alleles (0.0024%); highest among the groups gnomAD compares: Non-Finnish European, 0.0027%; no homozygotes.

Submissions (6):

Labcorp Genetics (formerly Invitae), Labcorp
Classification: Likely benign. Last evaluated: 2026-01-26. Review status: criteria provided, single submitter. Criteria: Invitae Variant Classification Sherloc (09022015). Collection method: clinical testing. Allele origin: germline.

CeGaT Center for Human Genetics Tuebingen
Classification: Likely benign. Last evaluated: 2025-10-01. Review status: criteria provided, single submitter. Criteria: CeGaT Center For Human Genetics Tuebingen Variant Classification Criteria Version 2. Collection method: clinical testing. Allele origin: germline. Affected: yes. Observed: 1 variant allele.
Comment: POLE: BP4, BP7

Center for Genomic Medicine, Rigshospitalet, Copenhagen University Hospital
Classification: Likely benign. Last evaluated: 2025-03-04. Review status: criteria provided, single submitter. Criteria: ACMG Guidelines, 2015. Collection method: clinical testing. Allele origin: germline.

GeneDx
Classification: Likely benign. Last evaluated: 2021-02-28. Review status: criteria provided, single submitter. Criteria: GeneDx Variant Classification Process June 2021. Collection method: clinical testing. Allele origin: germline. Affected: yes.

Ambry Genetics
Classification: Likely benign for Hereditary cancer-predisposing syndrome. Last evaluated: 2019-09-27. Review status: criteria provided, single submitter. Criteria: Ambry Variant Classification Scheme 2023. Collection method: clinical testing. Allele origin: germline.

PreventionGenetics, part of Exact Sciences
Classification: Likely benign for POLE-related condition. Last evaluated: 2019-06-20. Review status: no assertion criteria provided. Collection method: clinical testing. Allele origin: germline. Not counted in ClinVar's aggregate classification.
Comment: This variant is classified as likely benign based on ACMG/AMP sequence variant interpretation guidelines (Richards et al. 2015 PMID: 25741868, with internal and published modifications).

NM_006231.4(POLE):c.3990G>A (p.Pro1330=)

Gene: POLE (DNA polymerase epsilon, catalytic subunit; minus strand). Cytogenetic location: 12q24.33.
Variant type: single nucleotide variant.
Coding change: c.3990G>A on transcript NM_006231.4 (MANE Select); coding-DNA position 3990, G replaced by A.
Protein change: p.Pro1330=; no amino-acid change (proline 1330 retained).
Molecular consequence: synonymous variant.
Genome position (GRCh38, 1-based): chr12:132,649,321, C>T on the plus strand (G>A on the coding strand, the complement: POLE is on the minus strand). VCF-style: chr12-132649321-C-T. GRCh37 (hg19) VCF-style: chr12-133225907-C-T.
Identifiers: ClinVar variation 668640 (VCV000668640.25), dbSNP rs777546371, ClinGen allele CA6893037.